The following continues an entry in ClinVar:

NM_007194.4(CHEK2):c.707T>C (p.Leu236Pro)

Gene: CHEK2. ClinVar aggregate classification (germline): Likely pathogenic. Likely pathogenic (22).

Submissions 5 to 14 of 24:

Women's Health and Genetics/Laboratory Corporation of America, LabCorp
Classification: Likely pathogenic for Hereditary breast ovarian cancer syndrome. Last evaluated: 2025-08-29. Review status: criteria provided, single submitter. Criteria: LabCorp Variant Classification Summary - May 2015. Collection method: clinical testing. Allele origin: germline.
Comment: Variant summary: CHEK2 c.707T>C (p.Leu236Pro) results in a non-conservative amino acid change in the encoded protein sequence. Algorithms developed to predict the effect of missense changes on protein structure and function all suggest that this variant is likely to be disruptive. The variant allele was found at a frequency of 0.00035 in 251368 control chromosomes, predominantly at a frequency of 0.0025 within the Latino subpopulation in the gnomAD database. The observed variant frequency within Latino control individuals in the gnomAD database exceeds the estimated maximal expected allele frequency for disease-causing variants in CHEK2. However, a relatively recent study performed on a large cohort of Hispanics (>1000 cases/>1000 controls) reported that the variant is observed more frequently in patients affected with breast cancer than in controls OR 3.2 (95% CI 1.56.5, p value 0.0016), and the variant was reported as a potential founder mutation in this population (Weitzel_2019). c.707T>C has also been reported in the literature in several individuals (mostly of Hispanic/Latin American origin) affected with HBOC and/or with a positive family/personal history for breast cancer (e.g. Tung_2015, Quezada Urban_2018, SoRelle_2020, Dorling_2021, Chavarri-Guerra_2021, Weitzel_2019, Lerner-Ellis_2021) as well as at least one individual affected with prostate cancer (e.g., Brady_2022). Experimental evidence utilizing an in vivo, yeast-based functional assay found the variant to restrict growth rate levels to those of the negative control strain carrying the well-known pathogenic CHEK2 variant c.1100delC (Delimitsou_2019). Further, KAP1 and CHK2 phosphorylation assays both indicated a deleterious effect (example, Stolarova_2023). The following publications have been ascertained in the context of this evaluation (PMID: 31398194, 27621404, 35467778, 30851065, 33471991, 34404389, 32975687, 30262796, 32598223, 25186627, 31206626, 25318351, 26580448, 38093606, 39778127, 37449874, 38091153). ClinVar contains an entry for this variant (Variation ID: 142448). Based on the evidence outlined above, the variant was classified as likely pathogenic.

3billion
Classification: Likely pathogenic for CHEK2-related cancer predisposition. Last evaluated: 2025-08-11. Review status: criteria provided, single submitter. Criteria: ACMG Guidelines, 2015. Collection method: clinical testing. Allele origin: germline. Affected: yes.
Comment: The variant is observed at an extremely low frequency in the gnomAD v4.1.0 dataset (total allele frequency: 0.006%). Predicted Consequence/Location: Missense variant. The majority of the known disease-causing variants of this gene are variants expected to result in premature termination of the protein. In silico tool predictions suggest damaging effect of the variant on gene or gene product [3Cnet: 0.91 (> 0.75, sensitivity 0.96 and precision 0.92)]. The same nucleotide change resulting in the same amino acid change has been previously reported as pathogenic/likely pathogenic with strong evidence (ClinVar ID: VCV000142448 /PMID: 31206626 /3billion dataset). Therefore, this variant is classified as Likely pathogenic according to the recommendation of ACMG/AMP guideline.

Quest Diagnostics Nichols Institute San Juan Capistrano
Classification: Likely pathogenic. Last evaluated: 2025-07-30. Review status: criteria provided, single submitter. Criteria: Quest Diagnostics criteria. Collection method: clinical testing. Allele origin: unknown.
Comment: The CHEK2 c.707T>C (p.Leu236Pro) variant has been reported in the published literature individuals with breast cancer (PMID: 38091153 (2024), 36833268 (2023), 32885271 (2021), 27621404 (2016), 25186627 (2015), 25318351 (2014)) and prostate cancer (PMID: 35467778 (2022)). Recent studies indicate this variant is statistically associated with breast cancer in the Hispanic population (PMID: 31206626 (2019)). In a yeast based functional study, this variant has been shown to have deleterious effects on CHEK2 DNA damage response (PMID: 30851065 (2019)). Analysis of this variant using bioinformatics tools for the prediction of the effect of amino acid changes on protein structure and function yielded predictions that this variant is damaging. Based on the available information, this variant is classified as likely pathogenic.

Mayo Clinic Laboratories, Mayo Clinic
Classification: Likely pathogenic. Last evaluated: 2025-07-10. Review status: criteria provided, single submitter. Criteria: ACMG Guidelines, 2015. Collection method: clinical testing. Allele origin: germline. Observed: 2 variant alleles.
Comment: PM1, PS3_supporting, PS4

St. Jude Molecular Pathology, St. Jude Children's Research Hospital
Classification: Likely pathogenic for Predisposition to cancer. Last evaluated: 2025-06-17. Review status: criteria provided, single submitter. Criteria: St. Jude Assertion Criteria 2020. Collection method: clinical testing. Allele origin: germline.
Comment: The CHEK2 c.707T>C p.(Leu236Pro) missense change is prevalent in the Latino population with a maximum subpopulation frequency of 0.25% in gnomAD v2.1.1. A case-control study of BRCA-mutation-negative Hispanic women demonstrated that this variant is associated with increased risk of developing breast cancer in this population, suggesting that this may be a founder variant (PMID: 31206626). The in silico tool REVEL is inconclusive about the effect of this variant on protein function, however an in vivo functional study in yeast suggests a deleterious effect (PMID: 30851065). In summary, this variant meets criteria to be classified as likely pathogenic.

Ambry Genetics
Classification: Likely pathogenic for Hereditary cancer-predisposing syndrome. Last evaluated: 2025-06-11. Review status: criteria provided, single submitter. Criteria: Ambry Variant Classification Scheme 2023. Collection method: clinical testing. Allele origin: germline.
Comment: The p.L236P variant (also known as c.707T>C), located in coding exon 5 of the CHEK2 gene, results from a T to C substitution at nucleotide position 707. The leucine at codon 236 is replaced by proline, an amino acid with similar properties. This alteration was non-functional in an in vivo, yeast-based growth rate assay (Delimitsou A et al. Hum. Mutat. 2019 May;40:631-648). This alteration was also observed with a statistically increased odds ratio in a cohort of Hispanic breast cancer patients compared to general population control carriers (Weitzel JN et al. Cancer. 2019 Aug;125:2829-2836). Additionally, this variant was also observed in 1/3251 individuals who met eligibility criteria for hereditary breast and ovarian cancer syndrome (Lerner-Ellis J et al. J Cancer Res Clin Oncol, 2021 Mar;147:871-879). Based on internal structural assessment, this alteration disrupts the fold of the N-lobe of the kinase domain, near the ATP-binding site (Lountos GT et al. J. Struct. Biol. 2011 Dec;176:292-301). This amino acid position is well conserved in available vertebrate species. In addition, this alteration is predicted to be deleterious by in silico analysis. Based on the majority of available evidence to date, this variant is likely to be pathogenic.

Institute for Genomic Medicine (IGM) Clinical Laboratory, Nationwide Children's Hospital
Classification: Likely pathogenic for CHEK2-related cancer predisposition. Last evaluated: 2025-05-27. Review status: criteria provided, single submitter. Criteria: ACMG Guidelines, 2015. Collection method: clinical testing. Allele origin: germline.
Comment: Well-established functional studies have demonstrated this variant to have a damaging effect on protein function or splicing (ACMG/AMP: PS3; PMIDs:30851065, 37449874). This variant has been reported at an elevated frequency in affected individuals/in multiple affected individuals in the literature (ACMG/AMP: PS4_Moderate; PMIDs:31206626, 25186627, 30262796, 26580448).

Greenwood Genetic Center Diagnostic Laboratories, Greenwood Genetic Center
Classification: Likely pathogenic for CHEK2-related cancer predisposition. Last evaluated: 2025-05-06. Review status: criteria provided, single submitter. Criteria: ACMG Guidelines, 2015. Collection method: clinical testing. Allele origin: germline.
Comment: PS3, PS3_Moderate, PM1

Department of Pathology and Laboratory Medicine, Sinai Health System
Classification: Likely pathogenic for CHEK2-related cancer predisposition. Last evaluated: 2025-01-06. Review status: criteria provided, single submitter. Criteria: ACMG Guidelines, 2015. Collection method: clinical testing. Allele origin: germline. Affected: yes.

ARUP Laboratories, Molecular Genetics and Genomics, ARUP Laboratories
Classification: Likely pathogenic. Last evaluated: 2024-12-18. Review status: criteria provided, single submitter. Criteria: ARUP Molecular Germline Variant Investigation Process 2024. Collection method: clinical testing. Allele origin: germline.
Comment: The CHEK2 c.707T>C; p.Leu236Pro variant (rs587782471, ClinVar Variation ID: 142448) is reported in the literature in individuals affected with breast and/or ovarian cancer (selected references: Perez-Ibave 2023, Tung 2015, Weitzel 2019). This variant was found to be enriched in Hispanic BRCA-negative breast cancer patients (OR= 3.2 (1.5-6.5); Weitzel 2019), suggesting this may be a founder variant. Additionally, this variant is found in the Admixed American population with an allele frequency of 0.24% (88/35,436 alleles) in the Genome Aggregation Database (v2.1.1). Computational analyses are uncertain whether this variant is neutral or deleterious (REVEL: 0.547). However, in vivo yeast based functional analyses and kinase KAP1 and CHK2 assays demonstrate that this variant is damaging (Delimitsou 2019, Stolarova 2023). Based on available information, this variant is considered to be likely pathogenic. References: Delimitsou A et al. Functional characterization of CHEK2 variants in a Saccharomyces cerevisiae system. Hum Mutat. 2019 May;40(5):631-648. PMID: 30851065. PÃ©rez-Ibave DC et al. Identification of Germline Variants in Patients with Hereditary Cancer Syndromes in Northeast Mexico. Genes (Basel). 2023 Jan 28;14(2):341. PMID: 36833268. Stolarova L et al. ENIGMA CHEK2gether Project: A Comprehensive Study Identifies Functionally Impaired CHEK2 Germline Missense Variants Associated with Increased Breast Cancer Risk. Clin Cancer Res. 2023 Aug 15;29(16):3037-3050. PMID: 37449874. Tung N et al. Frequency of mutations in individuals with breast cancer referred for BRCA1 and BRCA2 testing using next-generation sequencing with a 25-gene panel. Cancer. 2015 Jan 1;121(1):25-33. PMID: 25186627. Weitzel JN et al. Pathogenic and likely pathogenic variants in PALB2, CHEK2, and other known breast cancer susceptibility genes among 1054 BRCA-negative Hispanics with breast cancer. Cancer. 2019 Aug 15;125(16):2829-2836. PMID: 31206626.